The following is an entry in ClinVar:

NM_001042750.2(STAG2):c.3705+6A>G

Gene: STAG2 (STAG2 cohesin complex component; plus strand). Cytogenetic location: Xq25.
Variant type: single nucleotide variant.
Coding change: c.3705+6A>G on transcript NM_001042750.2 (MANE Select); 6 bases into the intron after coding-DNA position 3705, A replaced by G.
Molecular consequence: intron variant.
Genome position (GRCh38, 1-based): chrX:124,094,150, A>G. VCF-style: chrX-124094150-A-G. GRCh37 (hg19) VCF-style: chrX-123228000-A-G.
Other names: c.3705+6A>G (NM_001375370.1, NM_001375369.1, NM_001375371.1 and 5 more transcripts); c.3594+6A>G (NM_001375376.1, NM_001375375.1, NM_001042751.2 and 5 more transcripts).
Identifiers: ClinVar variation 2718939 (VCV002718939.3), dbSNP rs2522536105, ClinGen allele CA2697544753.

ClinVar aggregate classification (germline): Uncertain significance (1 of 4 stars; one submission).

Submission:

Labcorp Genetics (formerly Invitae), Labcorp
Classification: Uncertain significance. Last evaluated: 2023-06-18. Review status: criteria provided, single submitter. Criteria: Invitae Variant Classification Sherloc (09022015). Collection method: clinical testing. Allele origin: germline.
Comment: This variant is not present in population databases (gnomAD no frequency). This sequence change falls in intron 33 of the STAG2 gene. It does not directly change the encoded amino acid sequence of the STAG2 protein. It affects a nucleotide within the consensus splice site. This variant has not been reported in the literature in individuals affected with STAG2-related conditions. In summary, the available evidence is currently insufficient to determine the role of this variant in disease. Therefore, it has been classified as a Variant of Uncertain Significance. Variants that disrupt the consensus splice site are a relatively common cause of aberrant splicing (PMID: 17576681, 9536098). Algorithms developed to predict the effect of sequence changes on RNA splicing suggest that this variant is not likely to affect RNA splicing.

Literature cited by the submitters: PubMed 17576681; PubMed 9536098.